The following is an entry in ClinVar:

ClinVar aggregate classification (germline): Uncertain significance (1 of 4 stars; one submission).

Conditions:
Blepharophimosis - intellectual disability syndrome, MKB type. Also called: X-Linked Ohdo Syndrome (XLOS); BLEPHAROPHIMOSIS-MENTAL RETARDATION SYNDROME, MAAT-KIEVIT-BRUNNER TYPE; Ohdo syndrome, X-linked. Identifiers: Orphanet 293707, MedGen C3698541, MONDO:0010477, OMIM 300895.

Submission:

Institute of Human Genetics, University of Leipzig Medical Center
Classification: Uncertain significance for Blepharophimosis - intellectual disability syndrome, MKB type. Last evaluated: 2026-02-09. Review status: criteria provided, single submitter. Criteria: ACMG Guidelines, 2015. Collection method: clinical testing. Allele origin: unknown. Inheritance: X-linked recessive inheritance. Affected: yes.
Comment: Criteria applied: PM2,PP2

NM_005120.3(MED12):c.3518G>T (p.Cys1173Phe)

Gene: MED12 (mediator complex subunit 12; plus strand). Cytogenetic location: Xq13.1.
Variant type: single nucleotide variant.
Coding change: c.3518G>T on transcript NM_005120.3 (MANE Select); coding-DNA position 3518, G replaced by T.
Protein change: p.Cys1173Phe; replaces cysteine 1173 with phenylalanine.
Molecular consequence: missense variant.
Genome position (GRCh38, 1-based): chrX:71,129,156, G>T. VCF-style: chrX-71129156-G-T. GRCh37 (hg19) VCF-style: chrX-70349006-G-T.
Other names: short protein forms C1173F.
Identifiers: ClinVar variation 4819112 (VCV004819112.1).